The following is an entry in ClinVar:

ClinVar aggregate classification (germline): Uncertain significance (1 of 4 stars; one submission).

Conditions:
RASopathy. Also called: Noonan spectrum disorder; rasopathies. Identifiers: Orphanet 536391, MedGen C5555857, MONDO:0021060.

Allele frequency attached by ClinVar (database versions not stated): gnomAD exomes below 0.00001 and 0.00001; TOPMed below 0.00001.
gnomAD v4.1: 3 of 1,614,210 alleles (0.00019%); highest among the groups gnomAD compares: East Asian, 0.0067%; no homozygotes.

Submission:

Labcorp Genetics (formerly Invitae), Labcorp
Classification: Uncertain significance for RASopathy. Last evaluated: 2021-02-21. Review status: criteria provided, single submitter. Criteria: Invitae Variant Classification Sherloc (09022015). Collection method: clinical testing. Allele origin: germline.
Comment: Advanced modeling of protein sequence and biophysical properties (such as structural, functional, and spatial information, amino acid conservation, physicochemical variation, residue mobility, and thermodynamic stability) performed at Invitae indicates that this missense variant is not expected to disrupt CBL protein function. In summary, the available evidence is currently insufficient to determine the role of this variant in disease. Therefore, it has been classified as a Variant of Uncertain Significance. This variant has not been reported in the literature in individuals with CBL-related conditions. This variant is not present in population databases (ExAC no frequency). This sequence change replaces tyrosine with cysteine at codon 871 of the CBL protein (p.Tyr871Cys). The tyrosine residue is weakly conserved and there is a large physicochemical difference between tyrosine and cysteine.

NM_005188.4(CBL):c.2612A>G (p.Tyr871Cys)

Gene: CBL (Cbl proto-oncogene; plus strand). Cytogenetic location: 11q23.3.
Variant type: single nucleotide variant.
Coding change: c.2612A>G on transcript NM_005188.4 (MANE Select); coding-DNA position 2612, A replaced by G.
Protein change: p.Tyr871Cys; replaces tyrosine 871 with cysteine.
Molecular consequence: missense variant.
Genome position (GRCh38, 1-based): chr11:119,299,672, A>G. VCF-style: chr11-119299672-A-G. GRCh37 (hg19) VCF-style: chr11-119170382-A-G.
Other names: short protein forms Y871C.
Identifiers: ClinVar variation 1512505 (VCV001512505.8), dbSNP rs1237783221, ClinGen allele CA382933298.
Genomic context (GRCh38, chr11:119,299,672, plus strand): 5'-CCACCGCCTCACCTCAGCTCTCCAGTGAGATCGAGAACCTCATGAGTCAGGGGTACTCCT[A>G]CCAGGACATCCAGAAAGCTTTGGTCATTGCCCAGAACAACATCGAGATGGCCAAAAACAT-3'
Protein context (NP_005179.2, residues 861-881): IENLMSQGYS[Tyr871Cys]QDIQKALVIA